The following is an entry in ClinVar:

NM_004260.4(RECQL4):c.1283T>C (p.Val428Ala)

Gene: RECQL4 (RecQ like helicase 4; minus strand). Cytogenetic location: 8q24.3.
Variant type: single nucleotide variant.
Coding change: c.1283T>C on transcript NM_004260.4 (MANE Select); coding-DNA position 1283, T replaced by C.
Protein change: p.Val428Ala; replaces valine 428 with alanine.
Molecular consequence: missense variant.
Genome position (GRCh38, 1-based): chr8:144,515,433, A>G on the plus strand (T>C on the coding strand, the complement: RECQL4 is on the minus strand). VCF-style: chr8-144515433-A-G. GRCh37 (hg19) VCF-style: chr8-145740817-A-G.
Other names: c.1283T>C (NM_004260.3); c.1187T>C, p.Val396Ala (NM_001413017.1, NM_001413020.1); c.1283T>C, p.Val428Ala (NM_001413018.1, NM_001413019.1, NM_001413033.1 and 2 more transcripts); c.212T>C, p.Val71Ala (NM_001413021.1, NM_001413022.1, NM_001413023.1 and 8 more transcripts); c.1154T>C, p.Val385Ala (NM_001413025.1); c.146T>C, p.Val49Ala (NM_001413027.1, NM_001413030.1, NM_001413031.1 and 2 more transcripts); c.932T>C, p.Val311Ala (NM_001413029.1); c.-185T>C (NM_001413043.1); short protein forms V311A, V428A, V49A, V71A, V385A, V396A.
Identifiers: ClinVar variation 2157990 (VCV002157990.7), dbSNP rs1265544300, ClinGen allele CA372685922.

ClinVar aggregate classification (germline): Conflicting classifications of pathogenicity. Review status: criteria provided, conflicting classifications (1 of 4 stars). 2 submissions from 2 submitters: Uncertain significance (1); Likely benign (1). Last evaluated 2025-08-01.

Conditions:
Inborn genetic diseases. Identifiers: MedGen C0950123, MeSH D030342.
Baller-Gerold syndrome (BGS). Also called: CRANIOSYNOSTOSIS WITH RADIAL DEFECTS. Identifiers: Orphanet 1225, MedGen C0265308, MONDO:0009039, OMIM 218600.

Allele frequency attached by ClinVar (database versions not stated): gnomAD exomes below 0.00001; TOPMed below 0.00001; gnomAD 0.00001.
gnomAD v4.1: 4 of 1,612,686 alleles (0.00025%); highest among the groups gnomAD compares: African/African-American, 0.0053%; no homozygotes.

Submissions (2):

Ambry Genetics
Classification: Likely benign for Inborn genetic diseases. Last evaluated: 2025-08-01. Review status: criteria provided, single submitter. Criteria: Ambry Variant Classification Scheme 2023. Collection method: clinical testing. Allele origin: germline.

Labcorp Genetics (formerly Invitae), Labcorp
Classification: Uncertain significance for Baller-Gerold syndrome. Last evaluated: 2023-06-29. Review status: criteria provided, single submitter. Criteria: Invitae Variant Classification Sherloc (09022015). Collection method: clinical testing. Allele origin: germline.
Comment: This sequence change replaces valine, which is neutral and non-polar, with alanine, which is neutral and non-polar, at codon 428 of the RECQL4 protein (p.Val428Ala). This variant is present in population databases (no rsID available, gnomAD 0.01%). This variant has not been reported in the literature in individuals affected with RECQL4-related conditions. ClinVar contains an entry for this variant (Variation ID: 2157990). Experimental studies and prediction algorithms are not available or were not evaluated, and the functional significance of this variant is currently unknown. In summary, the available evidence is currently insufficient to determine the role of this variant in disease. Therefore, it has been classified as a Variant of Uncertain Significance.